The following is an entry in ClinVar:

ClinVar aggregate classification (germline): Likely benign. Review status: criteria provided, multiple submitters, no conflicts (2 of 4 stars). 5 submissions from 5 submitters: Likely benign (2). 3 of the submissions do not count toward it. Last evaluated 2026-01-04.

Conditions:
ASRGL1-related disorder. Also called: ASRGL1-related condition.

Allele frequency attached by ClinVar (database versions not stated): 1000 Genomes Project 30x 0.00031; 1000 Genomes Project 0.00040; ESP Exome Variant Server 0.00069; ExAC 0.00082; gnomAD exomes 0.00088 and 0.00134; gnomAD 0.00099 and 0.00102; TOPMed 0.00103.
gnomAD v4.1: 2,124 of 1,613,990 alleles (0.13%); highest among the groups gnomAD compares: Non-Finnish European, 0.15%; 3 homozygotes.

Submissions (5):

Labcorp Genetics (formerly Invitae), Labcorp
Classification: Likely benign. Last evaluated: 2026-01-04. Review status: criteria provided, single submitter. Criteria: Invitae Variant Classification Sherloc (09022015). Collection method: clinical testing. Allele origin: germline.

Breakthrough Genomics
Classification: Likely benign. Review status: criteria provided, single submitter. Criteria: ACMG Guidelines, 2015. Collection method: not provided. Allele origin: germline. Inheritance: Unknown mechanism. Affected: yes.

PreventionGenetics, part of Exact Sciences
Classification: Likely benign for ASRGL1-related condition. Last evaluated: 2019-10-28. Review status: no assertion criteria provided. Collection method: clinical testing. Allele origin: germline. Not counted in ClinVar's aggregate classification.
Comment: This variant is classified as likely benign based on ACMG/AMP sequence variant interpretation guidelines (Richards et al. 2015 PMID: 25741868, with internal and published modifications).

Clinical Genetics DNA and cytogenetics Diagnostics Lab, Erasmus MC, Erasmus Medical Center
Classification: Likely benign. Review status: no assertion criteria provided. Collection method: clinical testing. Allele origin: germline. Affected: yes. Study: VKGL Data-share Consensus. Not counted in ClinVar's aggregate classification.

Clinical Genetics, Academic Medical Center
Classification: Benign. Review status: no assertion criteria provided. Collection method: clinical testing. Allele origin: germline. Affected: yes. Study: VKGL Data-share Consensus. Not counted in ClinVar's aggregate classification.

NM_001083926.2(ASRGL1):c.900C>T (p.Asp300=)

Gene: ASRGL1 (asparaginase and isoaspartyl peptidase 1; plus strand). Cytogenetic location: 11q12.3.
Variant type: single nucleotide variant.
Coding change: c.900C>T on transcript NM_001083926.2 (MANE Select); coding-DNA position 900, C replaced by T.
Protein change: p.Asp300=; no amino-acid change (aspartic acid 300 retained).
Molecular consequence: synonymous variant.
Genome position (GRCh38, 1-based): chr11:62,392,257, C>T. VCF-style: chr11-62392257-C-T. GRCh37 (hg19) VCF-style: chr11-62159729-C-T.
Other names: c.900C>T, p.Asp300= (NM_025080.4); c.900C>T (NM_025080.3).
Identifiers: ClinVar variation 1102667 (VCV001102667.15), dbSNP rs140693977, ClinGen allele CA6043350.